The following is an entry in ClinVar:

NM_001005242.3(PKP2):c.738A>G (p.Pro246=)

Gene: PKP2 (plakophilin 2; minus strand). Cytogenetic location: 12p11.21.
Variant type: single nucleotide variant.
Coding change: c.738A>G on transcript NM_001005242.3 (MANE Select); coding-DNA position 738, A replaced by G.
Protein change: p.Pro246=; no amino-acid change (proline 246 retained).
Molecular consequence: synonymous variant.
Genome position (GRCh38, 1-based): chr12:32,878,142, T>C on the plus strand (A>G on the coding strand, the complement: PKP2 is on the minus strand). VCF-style: chr12-32878142-T-C. GRCh37 (hg19) VCF-style: chr12-33031076-T-C.
Other names: c.738A>G, p.Pro246= (NM_004572.4, NM_001407155.1, NM_001407156.1 and 2 more transcripts); c.411A>G, p.Pro137= (NM_001407158.1, NM_001407159.1, NM_001407160.1 and 1 more transcripts).
Identifiers: ClinVar variation 3071570 (VCV003071570.1), dbSNP rs750469808, ClinGen allele CA038572.

ClinVar aggregate classification (germline): Likely benign (1 of 4 stars; one submission).

Conditions:
Arrhythmogenic right ventricular cardiomyopathy (ARVD). Also called: Arrhythmogenic right ventricular dysplasia; Cardiomyopathy, ARVC; Arrhythmogenic cardiomyopathy; Arrhythmogenic Right Ventricular Cardiomyopathy (ARVC). Identifiers: Orphanet 247, MedGen C0349788, MeSH D019571, MONDO:0016587. Disease mechanism: loss of function. Inheritance: Various modes of inheritance.

Allele frequency attached by ClinVar (database versions not stated): gnomAD exomes below 0.00001.
gnomAD v4.1: 1 of 1,614,214 alleles (0.000062%); highest among the groups gnomAD compares: Non-Finnish European, 0.000085%; no homozygotes.

Submission:

All of Us Research Program, National Institutes of Health
Classification: Likely benign for Arrhythmogenic right ventricular cardiomyopathy. Last evaluated: 2023-06-08. Review status: criteria provided, single submitter. Criteria: ACMG Guidelines, 2015. Collection method: clinical testing. Allele origin: germline. Inheritance: Autosomal dominant inheritance. Observed: 1 variant allele, 1 heterozygote.
Comment: This study involves interpretation of variants in research participants for the purpose of population health screening. Participant phenotype was not available at the time of variant classification. Additional details can be found in publication PMID: 35346344, PMCID: PMC8962531